The following is an entry in ClinVar:

NM_001042492.3(NF1):c.2177T>G (p.Val726Gly)

Gene: NF1 (neurofibromin 1; plus strand). Cytogenetic location: 17q11.2.
Variant type: single nucleotide variant.
Coding change: c.2177T>G on transcript NM_001042492.3 (MANE Select); coding-DNA position 2177, T replaced by G.
Protein change: p.Val726Gly; replaces valine 726 with glycine.
Molecular consequence: missense variant.
Genome position (GRCh38, 1-based): chr17:31,226,610, T>G. VCF-style: chr17-31226610-T-G. GRCh37 (hg19) VCF-style: chr17-29553628-T-G.
Other names: c.2177T>G, p.Val726Gly (NM_000267.4); short protein forms V726G.
Identifiers: ClinVar variation 3237668 (VCV003237668.1), dbSNP rs2151425984.
Genomic context (GRCh38, chr17:31,226,610, plus strand): 5'-CCATGTCCTGTTTCCGCCACCTCTGTGAGGAAGCAGATATCCGGTGTGGGGTGGATGAAG[T>G]GTCAGTGCATAACCTCTTGCCCAACTATAACACATTCATGGAGTTTGCCTCTGTCAGCAA-3'
Protein context (NP_001035957.1, residues 716-736): EADIRCGVDE[Val726Gly]SVHNLLPNYN

ClinVar aggregate classification (germline): Uncertain significance (1 of 4 stars; one submission).

Conditions:
Hereditary cancer-predisposing syndrome. Also called: Neoplastic Syndromes, Hereditary; Tumor predisposition; Hereditary neoplastic syndrome; Hereditary Cancer Syndrome. Identifiers: Orphanet 140162, MedGen C0027672, MeSH D009386, MONDO:0015356.
Cardiovascular phenotype. Identifiers: MedGen CN230736.

Submission:

Ambry Genetics
Classification: Uncertain significance for Cardiovascular phenotype; Hereditary cancer-predisposing syndrome. Last evaluated: 2024-02-17. Review status: criteria provided, single submitter. Criteria: Ambry Variant Classification Scheme 2023. Collection method: clinical testing. Allele origin: germline.
Comment: The p.V726G variant (also known as c.2177T>G), located in coding exon 18 of the NF1 gene, results from a T to G substitution at nucleotide position 2177. The valine at codon 726 is replaced by glycine, an amino acid with dissimilar properties. This amino acid position is conserved. In addition, the in silico prediction for this alteration is inconclusive. Based on the available evidence, the clinical significance of this alteration remains unclear.